The following is an entry in ClinVar:

NM_000085.5(CLCNKB):c.1845+1G>C

Genes: CLCNKB (chloride voltage-gated channel Kb; plus strand), LOC106501713 (CLCNKB recombination region; plus strand). Cytogenetic location: 1p36.13.
Variant type: single nucleotide variant.
Coding change: c.1845+1G>C on transcript NM_000085.5 (MANE Select); the canonical splice donor site of the intron after coding-DNA position 1845, G replaced by C.
Molecular consequence: splice donor variant.
Genome position (GRCh38, 1-based): chr1:16,055,524, G>C. VCF-style: chr1-16055524-G-C. GRCh37 (hg19) VCF-style: chr1-16382019-G-C.
Other names: c.1338+1G>C (NM_001165945.2).
Identifiers: ClinVar variation 3004235 (VCV003004235.3), dbSNP rs2524401276, ClinGen allele CA338645055.
Genomic context (GRCh38, chr1:16,055,524, plus strand): 5'-AGGGCCCAGCTGGTGCAGGCCCTGAAGGCTGAGCCTCCTTCCTGGGCTCCTGGACACCAG[G>C]TGGGTACTCCTGAGGGGCATGGGGATGGGGCGGGGGTGGGTCAGCAGGAATGGGAGGAGA-3'

ClinVar aggregate classification (germline): Likely pathogenic (1 of 4 stars; one submission).

Submission:

Labcorp Genetics (formerly Invitae), Labcorp
Classification: Likely pathogenic. Last evaluated: 2023-05-23. Review status: criteria provided, single submitter. Criteria: Invitae Variant Classification Sherloc (09022015). Collection method: clinical testing. Allele origin: germline.
Comment: In summary, the currently available evidence indicates that the variant is pathogenic, but additional data are needed to prove that conclusively. Therefore, this variant has been classified as Likely Pathogenic. Algorithms developed to predict the effect of sequence changes on RNA splicing suggest that this variant may disrupt the consensus splice site. This variant has not been reported in the literature in individuals affected with CLCNKB-related conditions. This variant is not present in population databases (gnomAD no frequency). This sequence change affects a donor splice site in intron 17 of the CLCNKB gene. It is expected to disrupt RNA splicing. Variants that disrupt the donor or acceptor splice site typically lead to a loss of protein function (PMID: 16199547), and loss-of-function variants in CLCNKB are known to be pathogenic (PMID: 24830959, 26920127, 28381550, 29254190).

Literature cited by the submitters: PubMed 16199547; PubMed 24830959; PubMed 26920127; PubMed 28381550; PubMed 29254190.